The following is an entry in ClinVar:

ClinVar aggregate classification (germline): Pathogenic/Likely pathogenic. Review status: criteria provided, multiple submitters, no conflicts (2 of 4 stars). 3 submissions from 3 submitters: Pathogenic (1); Likely pathogenic (1). 1 of the submissions does not count toward it. Last evaluated 2024-02-24.

Conditions:
Sjögren-Larsson syndrome (SLS). Also called: ICHTHYOSIS, SPASTIC NEUROLOGIC DISORDER, AND OLIGOPHRENIA; FALDH DEFICIENCY; FATTY ALCOHOL:NAD+ OXIDOREDUCTASE DEFICIENCY; FATTY ALDEHYDE DEHYDROGENASE DEFICIENCY. Identifiers: Orphanet 816, MedGen C0037231, MONDO:0010031, OMIM 270200.

Submissions (3):

Labcorp Genetics (formerly Invitae), Labcorp
Classification: Pathogenic. Last evaluated: 2024-02-24. Review status: criteria provided, single submitter. Criteria: Invitae Variant Classification Sherloc (09022015). Collection method: clinical testing. Allele origin: germline.
Comment: This sequence change affects an acceptor splice site in intron 7 of the ALDH3A2 gene. It is expected to disrupt RNA splicing. Variants that disrupt the donor or acceptor splice site typically lead to a loss of protein function (PMID: 16199547), and loss-of-function variants in ALDH3A2 are known to be pathogenic (PMID: 10577908, 10854114). This variant is not present in population databases (gnomAD no frequency). Disruption of this splice site has been observed in individuals with Sjögren-Larsson syndrome (PMID: 15241804, 16536828). It has also been observed to segregate with disease in related individuals. ClinVar contains an entry for this variant (Variation ID: 370471). Algorithms developed to predict the effect of sequence changes on RNA splicing suggest that this variant may disrupt the consensus splice site. For these reasons, this variant has been classified as Pathogenic.

Women's Health and Genetics/Laboratory Corporation of America, LabCorp
Classification: Likely pathogenic for Sjögren-Larsson syndrome. Last evaluated: 2023-01-10. Review status: criteria provided, single submitter. Criteria: LabCorp Variant Classification Summary - May 2015. Collection method: clinical testing. Allele origin: germline.
Comment: Variant summary: ALDH3A2 c.1108-1G>T is located in a canonical splice-site and is predicted to affect mRNA splicing resulting in a significantly altered protein due to either exon skipping, shortening, or inclusion of intronic material. Several computational tools predict a significant impact on normal splicing: Four predict the variant abolishes a 3' acceptor site. However, these predictions have yet to be confirmed by functional studies. The variant was absent in 251256 control chromosomes. To our knowledge, no occurrence of c.1108-1G>T in individuals affected with Sjogren-Larsson Syndrome and no experimental evidence demonstrating its impact on protein function have been reported. Another splice site variant at the same position has been classified by our lab as pathogenic (c.1108-1G>C). Two clinical diagnostic laboratories have submitted clinical-significance assessments for this variant to ClinVar after 2014 without evidence for independent evaluation. All laboratories classified the variant as pathogenic (n=1) and likely pathogenic (n=1). Based on the evidence outlined above, the variant was classified as likely pathogenic.

Counsyl
Classification: Likely pathogenic for Sjögren-Larsson syndrome. Last evaluated: 2016-02-16. Review status: no assertion criteria provided. Collection method: clinical testing. Allele origin: unknown. Not counted in ClinVar's aggregate classification.

Literature cited by the submitters: PubMed 16199547 (cited by Labcorp Genetics (formerly Invitae), Labcorp); PubMed 10577908 (cited by Labcorp Genetics (formerly Invitae), Labcorp); PubMed 10854114 (cited by Labcorp Genetics (formerly Invitae), Labcorp); PubMed 15241804 (cited by Labcorp Genetics (formerly Invitae), Labcorp); PubMed 16536828 (cited by Labcorp Genetics (formerly Invitae), Labcorp).

NM_000382.3(ALDH3A2):c.1108-1G>T

Gene: ALDH3A2 (aldehyde dehydrogenase 3 family member A2; plus strand). Cytogenetic location: 17p11.2.
Variant type: single nucleotide variant.
Coding change: c.1108-1G>T on transcript NM_000382.3 (MANE Select); the canonical splice acceptor site of the intron before coding-DNA position 1108, G replaced by T.
Molecular consequence: splice acceptor variant.
Genome position (GRCh38, 1-based): chr17:19,664,947, G>T. VCF-style: chr17-19664947-G-T. GRCh37 (hg19) VCF-style: chr17-19568260-G-T.
Other names: c.529-1G>T (NM_001369148.2); c.1108-1G>T (NM_001369137.2, NM_001369138.2, NM_001369146.2 and 3 more transcripts).
Identifiers: ClinVar variation 370471 (VCV000370471.14), dbSNP rs1036733598, ClinGen allele CA16041818.
Genomic context (GRCh38, chr17:19,664,947, plus strand): 5'-GGCCATGAGTGTTCCCTAAGGGGCAACTTCACTGACCTGGACACCTTTGGTCTGTCCTCA[G>T]CTCATCAAACGGATGATTGATGAGACATCCAGTGGAGGTGTCACAGGCAATGACGTCATT-3'